The following is an entry in ClinVar:

NM_001376.5(DYNC1H1):c.1062A>G (p.Arg354=)

Gene: DYNC1H1 (dynein cytoplasmic 1 heavy chain 1; plus strand). Cytogenetic location: 14q32.31.
Variant type: single nucleotide variant.
Coding change: c.1062A>G on transcript NM_001376.5 (MANE Select); coding-DNA position 1062, A replaced by G.
Protein change: p.Arg354=; no amino-acid change (arginine 354 retained).
Molecular consequence: synonymous variant.
Genome position (GRCh38, 1-based): chr14:101,983,119, A>G. VCF-style: chr14-101983119-A-G. GRCh37 (hg19) VCF-style: chr14-102449456-A-G.
Identifiers: ClinVar variation 917268 (VCV000917268.12), dbSNP rs373317658, ClinGen allele CA7351637.

ClinVar aggregate classification (germline): Likely benign. Review status: criteria provided, multiple submitters, no conflicts (2 of 4 stars). 4 submissions from 4 submitters: Likely benign (3). 1 of the submissions does not count toward it. Last evaluated 2025-07-15.

Conditions:
Charcot-Marie-Tooth disease. Also called: Charcot-Marie-Tooth Hereditary Neuropathy; Charcot-Marie-Tooth Neuropathy. Identifiers: Orphanet 166, MedGen C0007959, MONDO:0015626.
DYNC1H1-related disorder. Also called: DYNC1H1-related condition; DYNC1H1-related disorders. Identifiers: MedGen CN381529.
Inborn genetic diseases. Identifiers: MedGen C0950123, MeSH D030342.
Charcot-Marie-Tooth disease axonal type 2O. Also called: Charcot-Marie-Tooth disease, axonal, type 20; CHARCOT-MARIE-TOOTH NEUROPATHY, AXONAL, TYPE 2O; CHARCOT-MARIE-TOOTH DISEASE, AXONAL, AUTOSOMAL DOMINANT, TYPE 2O; Charcot-Marie-Tooth Neuropathy Type 2O. Identifiers: Orphanet 284232, MedGen C3280220, MONDO:0013644, OMIM 614228.

Allele frequency attached by ClinVar (database versions not stated): gnomAD exomes 0.00003 and 0.00006; ExAC 0.00006.
gnomAD v4.1: 47 of 1,614,214 alleles (0.0029%); highest among the groups gnomAD compares: South Asian, 0.046%; 2 homozygotes.

Submissions (4):

Labcorp Genetics (formerly Invitae), Labcorp
Classification: Likely benign for Charcot-Marie-Tooth disease axonal type 2O. Last evaluated: 2025-07-15. Review status: criteria provided, single submitter. Criteria: Invitae Variant Classification Sherloc (09022015). Collection method: clinical testing. Allele origin: germline.

Ambry Genetics
Classification: Likely benign for Inborn genetic diseases. Last evaluated: 2017-09-22. Review status: criteria provided, single submitter. Criteria: Ambry Variant Classification Scheme 2023. Collection method: clinical testing. Allele origin: germline.

Molecular Genetics Laboratory, London Health Sciences Centre
Classification: Likely benign for Charcot-Marie-Tooth disease. Review status: criteria provided, single submitter. Criteria: ACMG Guidelines, 2015. Collection method: clinical testing. Allele origin: germline. Affected: yes.

PreventionGenetics, part of Exact Sciences
Classification: Likely benign for DYNC1H1-related condition. Last evaluated: 2024-06-16. Review status: no assertion criteria provided. Collection method: clinical testing. Allele origin: germline. Not counted in ClinVar's aggregate classification.
Comment: This variant is classified as likely benign based on ACMG/AMP sequence variant interpretation guidelines (Richards et al. 2015 PMID: 25741868, with internal and published modifications).